The following is an entry in ClinVar:

NM_004312.3(ARR3):c.1052C>T (p.Pro351Leu)

Gene: ARR3 (arrestin 3; plus strand). Cytogenetic location: Xq13.1.
Variant type: single nucleotide variant.
Coding change: c.1052C>T on transcript NM_004312.3 (MANE Select); coding-DNA position 1052, C replaced by T.
Protein change: p.Pro351Leu; replaces proline 351 with leucine.
Molecular consequence: missense variant.
Genome position (GRCh38, 1-based): chrX:70,280,804, C>T. VCF-style: chrX-70280804-C-T. GRCh37 (hg19) VCF-style: chrX-69500654-C-T.
Other names: short protein forms P351L.
Identifiers: ClinVar variation 221943 (VCV000221943.7), dbSNP rs140505250, ClinGen allele CA071956.

ClinVar aggregate classification (germline): Conflicting classifications of pathogenicity. Review status: criteria provided, conflicting classifications (1 of 4 stars). 5 submissions from 5 submitters: Uncertain significance (1); Likely benign (2). 2 of the submissions do not count toward it. Last evaluated 2024-09-03.

Conditions:
Anophthalmia-microphthalmia syndrome. Also called: Anophthalmia - microphthalmia; Anophthalmia/Microphthalmia. Identifiers: Orphanet 98555, MedGen C5680330, MONDO:0020147.

Allele frequency attached by ClinVar (database versions not stated): TOPMed 0.00058.

Submissions (5):

Blueprint Genetics
Classification: Likely benign. Last evaluated: 2024-09-03. Review status: criteria provided, single submitter. Criteria: ACMG Guidelines, 2015. Collection method: clinical testing. Allele origin: germline.

Labcorp Genetics (formerly Invitae), Labcorp
Classification: Uncertain significance. Last evaluated: 2021-09-02. Review status: criteria provided, single submitter. Criteria: Invitae Variant Classification Sherloc (09022015). Collection method: clinical testing. Allele origin: germline.
Comment: This sequence change replaces proline with leucine at codon 351 of the ARR3 protein (p.Pro351Leu). The proline residue is highly conserved and there is a moderate physicochemical difference between proline and leucine. This variant is present in population databases (rs140505250, ExAC 0.06%). This variant has not been reported in the literature in individuals affected with ARR3-related conditions. ClinVar contains an entry for this variant (Variation ID: 221943). Algorithms developed to predict the effect of missense changes on protein structure and function are either unavailable or do not agree on the potential impact of this missense change (SIFT: "Deleterious"; PolyPhen-2: "Probably Damaging"; Align-GVGD: "Class C0"). In summary, the available evidence is currently insufficient to determine the role of this variant in disease. Therefore, it has been classified as a Variant of Uncertain Significance.

Paul Sabatier University EA-4555, Paul Sabatier University
Classification: Likely benign. Last evaluated: 2013-01-01. Review status: criteria provided, single submitter. Criteria: Chassaing et al. (Genome Res. 2016). Collection method: clinical testing. Allele origin: inherited. Affected: yes. Observed: 1 heterozygote. Segregation with disease observed.

Clinical Genetics DNA and cytogenetics Diagnostics Lab, Erasmus MC, Erasmus Medical Center
Classification: Uncertain significance. Review status: no assertion criteria provided. Collection method: clinical testing. Allele origin: germline. Affected: yes. Study: VKGL Data-share Consensus. Not counted in ClinVar's aggregate classification.

Laboratory of Diagnostic Genome Analysis, Leiden University Medical Center (LUMC)
Classification: Uncertain significance. Review status: no assertion criteria provided. Collection method: clinical testing. Allele origin: germline. Affected: yes. Study: VKGL Data-share Consensus. Not counted in ClinVar's aggregate classification.